The following is an entry in ClinVar:

ClinVar aggregate classification (germline): Uncertain significance (1 of 4 stars; one submission).

Submission:

GeneDx
Classification: Uncertain significance. Last evaluated: 2024-09-03. Review status: criteria provided, single submitter. Criteria: GeneDx Variant Classification Process June 2021. Collection method: clinical testing. Allele origin: germline. Affected: yes.
Comment: Not observed at significant frequency in large population cohorts (gnomAD); Missense variant in a gene in which most reported pathogenic variants are truncating/loss of function; Has not been previously published as pathogenic or benign to our knowledge

NM_001267550.2(TTN):c.99551C>T (p.Thr33184Ile)

Genes: TTN (titin; minus strand), TTN-AS1 (TTN antisense RNA 1; plus strand). Cytogenetic location: 2q31.2.
Variant type: single nucleotide variant.
Coding change: c.99551C>T on transcript NM_001267550.2 (MANE Select); coding-DNA position 99551, C replaced by T.
Protein change: p.Thr33184Ile; replaces threonine 33184 with isoleucine.
Molecular consequence: missense variant. On other transcripts: non-coding transcript variant (1).
Genome position (GRCh38, 1-based): chr2:178,537,656, G>A on the plus strand (C>T on the coding strand, the complement: TTN is on the minus strand). VCF-style: chr2-178537656-G-A. GRCh37 (hg19) VCF-style: chr2-179402383-G-A.
Other names: c.94628C>T, p.Thr31543Ile (NM_001256850.1); c.72356C>T, p.Thr24119Ile (NM_003319.4); c.91847C>T, p.Thr30616Ile (NM_133378.4); c.72731C>T, p.Thr24244Ile (NM_133432.3); c.72932C>T, p.Thr24311Ile (NM_133437.4); short protein forms T24119I, T24244I, T24311I, T30616I, T31543I, T33184I.
Identifiers: ClinVar variation 3765958 (VCV003765958.1).